The following is an entry in ClinVar:

ClinVar aggregate classification (germline): Uncertain significance. Review status: criteria provided, multiple submitters, no conflicts (2 of 4 stars). 3 submissions from 3 submitters: Uncertain significance (3). Last evaluated 2025-08-15.

Conditions:
Cerebral cavernous malformation 2. Also called: Familial Cerebral Cavernous Malformation 2. Identifiers: Orphanet 221061, MedGen C1864041, MONDO:0011304, OMIM 603284.

Allele frequency attached by ClinVar (database versions not stated): gnomAD exomes below 0.00001; TOPMed below 0.00001; gnomAD 0.00001.
gnomAD v4.1: 2 of 1,613,382 alleles (0.00012%); highest among the groups gnomAD compares: Admixed American, 0.0033%; no homozygotes.

Submissions (3):

Labcorp Genetics (formerly Invitae), Labcorp
Classification: Uncertain significance for Cerebral cavernous malformation 2. Last evaluated: 2025-08-15. Review status: criteria provided, single submitter. Criteria: Invitae Variant Classification Sherloc (09022015). Collection method: clinical testing. Allele origin: germline.
Comment: This sequence change replaces glycine, which is neutral and non-polar, with aspartic acid, which is acidic and polar, at codon 277 of the CCM2 protein (p.Gly277Asp). This variant is present in population databases (no rsID available, gnomAD 0.003%). This variant has not been reported in the literature in individuals affected with CCM2-related conditions. ClinVar contains an entry for this variant (Variation ID: 1034110). Invitae Evidence Modeling of protein sequence and biophysical properties (such as structural, functional, and spatial information, amino acid conservation, physicochemical variation, residue mobility, and thermodynamic stability) indicates that this missense variant is not expected to disrupt CCM2 protein function with a negative predictive value of 80%. In summary, the available evidence is currently insufficient to determine the role of this variant in disease. Therefore, it has been classified as a Variant of Uncertain Significance.

Department of Pathology and Laboratory Medicine, Sinai Health System
Classification: Uncertain significance for Cerebral cavernous malformation 2. Last evaluated: 2022-08-02. Review status: criteria provided, single submitter. Criteria: ACMG Guidelines, 2015. Collection method: research. Allele origin: germline.

Baylor Genetics
Classification: Uncertain significance for Cerebral cavernous malformation 2. Last evaluated: 2018-08-14. Review status: criteria provided, single submitter. Criteria: ACMG Guidelines, 2015. Collection method: clinical testing. Allele origin: unknown. Affected: yes.
Comment: This variant was determined to be of uncertain significance according to ACMG Guidelines, 2015 [PMID:25741868].

NM_031443.4(CCM2):c.830G>A (p.Gly277Asp)

Gene: CCM2 (CCM2 scaffold protein; plus strand). Cytogenetic location: 7p13.
Variant type: single nucleotide variant.
Coding change: c.830G>A on transcript NM_031443.4 (MANE Select); coding-DNA position 830, G replaced by A.
Protein change: p.Gly277Asp; replaces glycine 277 with aspartic acid.
Molecular consequence: missense variant. On other transcripts: non-coding transcript variant (1).
Genome position (GRCh38, 1-based): chr7:45,073,486, G>A. VCF-style: chr7-45073486-G-A. GRCh37 (hg19) VCF-style: chr7-45113085-G-A.
Other names: c.893G>A, p.Gly298Asp (NM_001029835.2); c.656G>A, p.Gly219Asp (NM_001167934.2); c.557G>A, p.Gly186Asp (NM_001167935.2); c.953G>A, p.Gly318Asp (NM_001363458.2); c.779G>A, p.Gly260Asp (NM_001363459.2); short protein forms G260D, G186D, G219D, G277D, G298D, G318D.
Identifiers: ClinVar variation 1034110 (VCV001034110.3), dbSNP rs1421166194, ClinGen allele CA367430995.